The following is an entry in ClinVar:

ClinVar aggregate classification (germline): Uncertain significance (1 of 4 stars; one submission).

Submission:

CeGaT Center for Human Genetics Tuebingen
Classification: Uncertain significance. Last evaluated: 2025-09-01. Review status: criteria provided, single submitter. Criteria: CeGaT Center For Human Genetics Tuebingen Variant Classification Criteria Version 2. Collection method: clinical testing. Allele origin: germline. Affected: yes. Observed: 1 variant allele.
Comment: POU3F2: PM2

NM_005604.4(POU3F2):c.734dup (p.Gln246fs)

Gene: POU3F2 (POU class 3 homeobox 2; plus strand). Cytogenetic location: 6q16.1.
Variant type: Duplication.
Coding change: c.734dup on transcript NM_005604.4 (MANE Select); coding-DNA position 734, one base duplicated (C; older notation c.734dupC).
Protein change: p.Gln246fs; shifts the reading frame from glutamine 246.
Molecular consequence: frameshift variant.
Genome position (GRCh38, 1-based): chr6:98,835,607, C duplicated; the last of 5 consecutive C bases (chr6:98,835,603-98,835,607); duplicating any one gives the same sequence. VCF-style (leftmost placement, unchanged base first): chr6-98835602-G-GC. GRCh37 (hg19) VCF-style: chr6-99283478-G-GC.
Other names: short protein forms Q246fs.
Identifiers: ClinVar variation 4281458 (VCV004281458.7).